The following is an entry in ClinVar:

NM_178452.6(DNAAF1):c.430A>G (p.Ile144Val)

Gene: DNAAF1 (dynein axonemal assembly factor 1; plus strand). Cytogenetic location: 16q24.1.
Variant type: single nucleotide variant.
Coding change: c.430A>G on transcript NM_178452.6 (MANE Select); coding-DNA position 430, A replaced by G.
Protein change: p.Ile144Val; replaces isoleucine 144 with valine.
Molecular consequence: missense variant.
Genome position (GRCh38, 1-based): chr16:84,154,654, A>G. VCF-style: chr16-84154654-A-G. GRCh37 (hg19) VCF-style: chr16-84188259-A-G.
Other names: short protein forms I144V.
Identifiers: ClinVar variation 2695995 (VCV002695995.3), dbSNP rs2507367156, ClinGen allele CA396942921.
Genomic context (GRCh38, chr16:84,154,654, plus strand): 5'-AACCTGGAAGAGTACACAGGGCTGCGCTGTCTCTGGCTGCAGAGCAATGGAATACAGAAA[A>G]TCGAAAACCTGGAGGCCCAAACTGAGTTGCGTTGCCTCTTCTTGCAAATGAACTTGCTCC-3'
Protein context (NP_848547.4, residues 134-154): LWLQSNGIQK[Ile144Val]ENLEAQTELR

ClinVar aggregate classification (germline): Uncertain significance (1 of 4 stars; one submission).

Conditions:
Primary ciliary dyskinesia. Also called: Ciliary dyskinesia. Identifiers: Orphanet 244, MedGen C0008780, MONDO:0016575, HP:0012265.

Submission:

Labcorp Genetics (formerly Invitae), Labcorp
Classification: Uncertain significance for Primary ciliary dyskinesia. Last evaluated: 2023-11-24. Review status: criteria provided, single submitter. Criteria: Invitae Variant Classification Sherloc (09022015). Collection method: clinical testing. Allele origin: germline.
Comment: This sequence change replaces isoleucine, which is neutral and non-polar, with valine, which is neutral and non-polar, at codon 144 of the DNAAF1 protein (p.Ile144Val). This variant is not present in population databases (gnomAD no frequency). This variant has not been reported in the literature in individuals affected with DNAAF1-related conditions. An algorithm developed to predict the effect of missense changes on protein structure and function (PolyPhen-2) suggests that this variant is likely to be disruptive. In summary, the available evidence is currently insufficient to determine the role of this variant in disease. Therefore, it has been classified as a Variant of Uncertain Significance.